The following is an entry in ClinVar:

ClinVar aggregate classification (germline): Uncertain significance (1 of 4 stars; one submission).

Conditions:
Hereditary cancer-predisposing syndrome. Also called: Neoplastic Syndromes, Hereditary; Tumor predisposition; Hereditary Cancer Syndrome; Hereditary neoplastic syndrome. Identifiers: Orphanet 140162, MedGen C0027672, MeSH D009386, MONDO:0015356.

gnomAD v4.1: 1 of 1,613,872 alleles (0.000062%); highest among the groups gnomAD compares: Non-Finnish European, 0.000085%; no homozygotes.

Submission:

Ambry Genetics
Classification: Uncertain significance for Hereditary cancer-predisposing syndrome. Last evaluated: 2024-11-24. Review status: criteria provided, single submitter. Criteria: Ambry Variant Classification Scheme 2023. Collection method: clinical testing. Allele origin: germline.
Comment: The p.I2246T variant (also known as c.6737T>C), located in coding exon 48 of the POLE gene, results from a T to C substitution at nucleotide position 6737. The isoleucine at codon 2246 is replaced by threonine, an amino acid with similar properties. This amino acid position is conserved. In addition, this alteration is predicted to be tolerated by in silico analysis. Based on the available evidence, the clinical significance of this variant remains unclear.

NM_006231.4(POLE):c.6737T>C (p.Ile2246Thr)

Gene: POLE (DNA polymerase epsilon, catalytic subunit; minus strand). Cytogenetic location: 12q24.33.
Variant type: single nucleotide variant.
Coding change: c.6737T>C on transcript NM_006231.4 (MANE Select); coding-DNA position 6737, T replaced by C.
Protein change: p.Ile2246Thr; replaces isoleucine 2246 with threonine.
Molecular consequence: missense variant.
Genome position (GRCh38, 1-based): chr12:132,624,915, A>G on the plus strand (T>C on the coding strand, the complement: POLE is on the minus strand). VCF-style: chr12-132624915-A-G. GRCh37 (hg19) VCF-style: chr12-133201501-A-G.
Other names: short protein forms I2246T.
Identifiers: ClinVar variation 3422227 (VCV003422227.1).
Genomic context (GRCh38, chr12:132,624,915, plus strand): 5'-AGGAGGCCAAGGAGGCCAGGCTGAGCCGAGGCAGATGAGGGAGAGCCCACCTGGGTGTGG[A>G]TGGTGAGGGCGAAGTCTCCCGCGCAGCTGCAGTACACAGGCATGCTGGTCTCCTTCACCC-3'
Protein context (NP_006222.2, residues 2236-2256): CSCAGDFALT[Ile2246Thr]HTQVFMEQIG